The following is an entry in ClinVar:

NM_170784.3(MKKS):c.915C>A (p.Leu305=)

Gene: MKKS (MKKS centrosomal shuttling protein; minus strand). Cytogenetic location: 20p12.2.
Variant type: single nucleotide variant.
Coding change: c.915C>A on transcript NM_170784.3 (MANE Select); coding-DNA position 915, C replaced by A.
Protein change: p.Leu305=; no amino-acid change (leucine 305 retained).
Molecular consequence: synonymous variant.
Genome position (GRCh38, 1-based): chr20:10,412,600, G>T on the plus strand (C>A on the coding strand, the complement: MKKS is on the minus strand). VCF-style: chr20-10412600-G-T. GRCh37 (hg19) VCF-style: chr20-10393248-G-T.
Other names: c.915C>A, p.Leu305= (NM_018848.3).
Identifiers: ClinVar variation 4991158 (VCV004991158.1).

ClinVar aggregate classification (germline): Likely benign (1 of 4 stars; one submission).

Conditions:
MKKS-related disorder. Also called: MKKS-related disorders; MKKS-related condition.

Submission:

PreventionGenetics, part of Exact Sciences
Classification: Likely benign for MKKS-related condition. Last evaluated: 2026-09-09. Review status: criteria provided, single submitter. Criteria: ACMG Guidelines, 2015. Collection method: clinical testing. Allele origin: germline.
Comment: This variant is classified as likely benign based on ACMG/AMP sequence variant interpretation guidelines (Richards et al. 2015 PMID: 25741868, with internal and published modifications).